The following is an entry in ClinVar:

ClinVar aggregate classification (germline): Uncertain significance (1 of 4 stars; one submission).

Allele frequency attached by ClinVar (database versions not stated): gnomAD 0.00001.
gnomAD v4.1: 1 of 1,614,084 alleles (0.000062%); highest among the groups gnomAD compares: Admixed American, 0.0017%; no homozygotes.

Submission:

Labcorp Genetics (formerly Invitae), Labcorp
Classification: Uncertain significance. Last evaluated: 2022-07-19. Review status: criteria provided, single submitter. Criteria: Invitae Variant Classification Sherloc (09022015). Collection method: clinical testing. Allele origin: germline.
Comment: ClinVar contains an entry for this variant (Variation ID: 841046). This variant has not been reported in the literature in individuals affected with AHR-related conditions. This variant is not present in population databases (gnomAD no frequency). This sequence change replaces serine, which is neutral and polar, with phenylalanine, which is neutral and non-polar, at codon 693 of the AHR protein (p.Ser693Phe). In summary, the available evidence is currently insufficient to determine the role of this variant in disease. Therefore, it has been classified as a Variant of Uncertain Significance. Algorithms developed to predict the effect of missense changes on protein structure and function are either unavailable or do not agree on the potential impact of this missense change (SIFT: "Deleterious"; PolyPhen-2: "Benign"; Align-GVGD: "Class C15").

NM_001621.5(AHR):c.2078C>T (p.Ser693Phe)

Gene: AHR (aryl hydrocarbon receptor; plus strand). Cytogenetic location: 7p21.1.
Variant type: single nucleotide variant.
Coding change: c.2078C>T on transcript NM_001621.5 (MANE Select); coding-DNA position 2078, C replaced by T.
Protein change: p.Ser693Phe; replaces serine 693 with phenylalanine.
Molecular consequence: missense variant.
Genome position (GRCh38, 1-based): chr7:17,339,903, C>T. VCF-style: chr7-17339903-C-T. GRCh37 (hg19) VCF-style: chr7-17379527-C-T.
Other names: short protein forms S693F.
Identifiers: ClinVar variation 841046 (VCV000841046.9), dbSNP rs1782400368, ClinGen allele CA366895908.